The following is an entry in ClinVar:

NM_005267.5(GJA8):c.601G>A (p.Glu201Lys)

Gene: GJA8 (gap junction protein alpha 8; plus strand). Cytogenetic location: 1q21.2.
Variant type: single nucleotide variant.
Coding change: c.601G>A on transcript NM_005267.5 (MANE Select); coding-DNA position 601, G replaced by A.
Protein change: p.Glu201Lys; replaces glutamic acid 201 with lysine.
Molecular consequence: missense variant.
Genome position (GRCh38, 1-based): chr1:147,908,556, G>A. VCF-style: chr1-147908556-G-A. GRCh37 (hg19) VCF-style: chr1-147380683-G-A.
Other names: short protein forms E201K.
Identifiers: ClinVar variation 2690901 (VCV002690901.2), dbSNP rs2524891883, ClinGen allele CA342224948.

ClinVar aggregate classification (germline): Conflicting classifications of pathogenicity. Review status: criteria provided, conflicting classifications (1 of 4 stars). 2 submissions from 2 submitters: Likely pathogenic (1); Uncertain significance (1). Last evaluated 2023-11-27.

Conditions:
Cataract 1 multiple types. Also called: CATARACT, DUFFY-LINKED; CATARACT 1, NUCLEAR PROGRESSIVE; CATARACT 1 WITH MICROCORNEA; CATARACT 1, POSTERIOR SUBCAPSULAR, WITH MICROCORNEA; CATARACT 1, STELLATE NUCLEAR, WITH MICROCORNEA; CATARACT 1, MULTIPLE TYPES, WITH OR WITHOUT MICROCORNEA. Identifiers: Orphanet 1377, MedGen C1861828, MONDO:0007285, OMIM 116200.

Submissions (2):

Johns Hopkins Genomics, Johns Hopkins University
Classification: Likely pathogenic for Cataract 1 multiple types. Last evaluated: 2023-11-27. Review status: criteria provided, single submitter. Criteria: ACMG Guidelines, 2015. Collection method: clinical testing. Allele origin: germline.
Comment: This GJA8 variant is absent from a large population dataset and has not been reported in ClinVar. However, this variant was reported in the literature to co-segregate with congenital cataract in an unrelated, multigenerational family. The glutamine residue at this position is strongly conserved across the vertebrate species assessed. Experimental studies using transiently transfected cells containing a GJA8-E201K-GFP expression construct showed impaired trafficking to the cytsosol, presumably due to a change in surface electrostatic potential. Bioinformatic analysis predicts that this missense variant would not affect normal exon 2 splicing, although this has not been confirmed experimentally to our knowledge. We consider c.601G>A (p.Glu201Lys) to be likely pathogenic for autosomal dominant congenital cataract.

Dept. Genetics and Cancer, Menzies Institute for Medical Research, University of Tasmania
Classification: Uncertain significance for Cataract 1 multiple types. Last evaluated: 2023-01-21. Review status: criteria provided, single submitter. Criteria: ACMG Guidelines, 2015. Collection method: curation. Allele origin: germline. Affected: yes.
Comment: Variant identified and curated during a GJA8 specific review of the literature in relation to pediatric or congenital cataract. ACMG-AMP criteria applied: PM2(Supporting), PP1, PP3. Original variant report: PMID:23555834. The cataract phenotype reported for this variant is: Lamellar and nuclear. Gene review and curation guidelines are outlined in: DOI 10.1080/17469899.2023.2160320

Literature cited by the submitters: PubMed 23555834 (cited by Johns Hopkins Genomics, Johns Hopkins University and Dept. Genetics and Cancer, Menzies Institute for Medical Research, University of Tasmania); PubMed 25003127 (cited by Johns Hopkins Genomics, Johns Hopkins University); PubMed 35011756 (cited by Johns Hopkins Genomics, Johns Hopkins University).